The following is an entry in ClinVar:

NM_000292.3(PHKA2):c.455-10T>C

Gene: PHKA2 (phosphorylase kinase regulatory subunit alpha 2; minus strand). Cytogenetic location: Xp22.13.
Variant type: single nucleotide variant.
Coding change: c.455-10T>C on transcript NM_000292.3 (MANE Select); 10 bases into the intron before coding-DNA position 455, T replaced by C.
Molecular consequence: intron variant.
Genome position (GRCh38, 1-based): chrX:18,948,836, A>G on the plus strand (T>C on the coding strand, the complement: PHKA2 is on the minus strand). VCF-style: chrX-18948836-A-G. GRCh37 (hg19) VCF-style: chrX-18966954-A-G.
Identifiers: ClinVar variation 513253 (VCV000513253.5), dbSNP rs951306454, ClinGen allele CA327018846.

ClinVar aggregate classification (germline): Likely benign. Review status: criteria provided, multiple submitters, no conflicts (2 of 4 stars). 2 submissions from 2 submitters: Likely benign (2). Last evaluated 2026-01-06.

Conditions:
Glycogen storage disease IXa1. Also called: GLYCOGEN STORAGE DISEASE VIII; GSD VIII; Glycogen storage disease 8; LIVER GLYCOGENOSIS, X-LINKED, TYPE I. Identifiers: Orphanet 264580, MedGen C3694531, MONDO:0010598, OMIM 306000.

Allele frequency attached by ClinVar (database versions not stated): gnomAD 0.00001; gnomAD exomes 0.00001; TOPMed 0.00002.
gnomAD v4.1: 13 of 1,113,867 alleles (0.0012%); highest among the groups gnomAD compares: East Asian, 0.003%; no homozygotes.

Submissions (2):

Labcorp Genetics (formerly Invitae), Labcorp
Classification: Likely benign for Glycogen storage disease IXa1. Last evaluated: 2026-01-06. Review status: criteria provided, single submitter. Criteria: Invitae Variant Classification Sherloc (09022015). Collection method: clinical testing. Allele origin: germline.

GeneDx
Classification: Likely benign. Last evaluated: 2017-11-20. Review status: criteria provided, single submitter. Criteria: GeneDx Variant Classification (06012015). Collection method: clinical testing. Allele origin: germline. Affected: yes.
Comment: This variant is considered likely benign or benign based on one or more of the following criteria: it is a conservative change, it occurs at a poorly conserved position in the protein, it is predicted to be benign by multiple in silico algorithms, and/or has population frequency not consistent with disease.